The following is an entry in ClinVar:

ClinVar aggregate classification (germline): Uncertain significance (1 of 4 stars; one submission).

Conditions:
Odonto-onycho-dermal dysplasia. Identifiers: Orphanet 2721, MedGen C0796093, MONDO:0009773, OMIM 257980.
Tooth agenesis, selective, 4 (STHAG4). Also called: LATERAL INCISORS, ABSENCE OF; LATERAL INCISORS, PEGGED OR MISSING; TOOTH AGENESIS, SELECTIVE, 4, WITH OR WITHOUT ECTODERMAL DYSPLASIA; SUCCEDANEOUS TEETH, AGENESIS OF. Identifiers: Orphanet 99798, MedGen C1835492, MONDO:0007881, OMIM 150400. Disease mechanism: loss of function.

Allele frequency attached by ClinVar (database versions not stated): gnomAD exomes below 0.00001; ExAC 0.00001; gnomAD 0.00001; TOPMed 0.00002.
gnomAD v4.1: 3 of 1,599,548 alleles (0.00019%); highest among the groups gnomAD compares: African/African-American, 0.0013%; no homozygotes.

Submission:

Labcorp Genetics (formerly Invitae), Labcorp
Classification: Uncertain significance for Tooth agenesis, selective, 4; Odonto-onycho-dermal dysplasia. Last evaluated: 2022-04-25. Review status: criteria provided, single submitter. Criteria: Invitae Variant Classification Sherloc (09022015). Collection method: clinical testing. Allele origin: germline.
Comment: In summary, the available evidence is currently insufficient to determine the role of this variant in disease. Therefore, it has been classified as a Variant of Uncertain Significance. Variants that disrupt the consensus splice site are a relatively common cause of aberrant splicing (PMID: 17576681, 9536098). Algorithms developed to predict the effect of sequence changes on RNA splicing suggest that this variant may disrupt the consensus splice site. ClinVar contains an entry for this variant (Variation ID: 660265). This variant has not been reported in the literature in individuals affected with WNT10A-related conditions. This variant is present in population databases (rs768536054, gnomAD 0.007%). This sequence change affects codon 252 of the WNT10A mRNA. It is a 'silent' change, meaning that it does not change the encoded amino acid sequence of the WNT10A protein. This variant also falls at the last nucleotide of exon 3, which is part of the consensus splice site for this exon.

Literature cited by the submitters: PubMed 17576681; PubMed 9536098.

NM_025216.3(WNT10A):c.756G>A (p.Gln252=)

Gene: WNT10A (Wnt family member 10A; plus strand). Cytogenetic location: 2q35.
Variant type: single nucleotide variant.
Coding change: c.756G>A on transcript NM_025216.3 (MANE Select); coding-DNA position 756, G replaced by A.
Protein change: p.Gln252=; no amino-acid change (glutamine 252 retained).
Molecular consequence: synonymous variant.
Genome position (GRCh38, 1-based): chr2:218,890,363, G>A. VCF-style: chr2-218890363-G-A. GRCh37 (hg19) VCF-style: chr2-219755085-G-A.
Identifiers: ClinVar variation 660265 (VCV000660265.6), dbSNP rs768536054, ClinGen allele CA2114025.